The following is an entry in ClinVar:

NM_152703.5(SAMD9L):c.3835A>G (p.Lys1279Glu)

Gene: SAMD9L (sterile alpha motif domain containing 9 like; minus strand). Cytogenetic location: 7q21.2.
Variant type: single nucleotide variant.
Coding change: c.3835A>G on transcript NM_152703.5 (MANE Select); coding-DNA position 3835, A replaced by G.
Protein change: p.Lys1279Glu; replaces lysine 1279 with glutamic acid.
Molecular consequence: missense variant.
Genome position (GRCh38, 1-based): chr7:93,132,137, T>C on the plus strand (A>G on the coding strand, the complement: SAMD9L is on the minus strand). VCF-style: chr7-93132137-T-C. GRCh37 (hg19) VCF-style: chr7-92761450-T-C.
Other names: c.3835A>G, p.Lys1279Glu (NM_001303496.3, NM_001303497.3, NM_001303498.3 and 5 more transcripts); short protein forms K1279E.
Identifiers: ClinVar variation 2700999 (VCV002700999.3), dbSNP rs2535408821, ClinGen allele CA368179697.

ClinVar aggregate classification (germline): Uncertain significance (1 of 4 stars; one submission).

Submission:

Labcorp Genetics (formerly Invitae), Labcorp
Classification: Uncertain significance. Last evaluated: 2025-08-06. Review status: criteria provided, single submitter. Criteria: Invitae Variant Classification Sherloc (09022015). Collection method: clinical testing. Allele origin: germline.
Comment: This sequence change replaces lysine, which is basic and polar, with glutamic acid, which is acidic and polar, at codon 1279 of the SAMD9L protein (p.Lys1279Glu). This variant is not present in population databases (gnomAD no frequency). This variant has not been reported in the literature in individuals affected with SAMD9L-related conditions. ClinVar contains an entry for this variant (Variation ID: 2700999). Invitae Evidence Modeling of protein sequence and biophysical properties (such as structural, functional, and spatial information, amino acid conservation, physicochemical variation, residue mobility, and thermodynamic stability) indicates that this missense variant is expected to disrupt SAMD9L protein function with a positive predictive value of 80%. In summary, the available evidence is currently insufficient to determine the role of this variant in disease. Therefore, it has been classified as a Variant of Uncertain Significance.